The following is an entry in ClinVar:

ClinVar aggregate classification (germline): Uncertain significance. Review status: criteria provided, multiple submitters, no conflicts (2 of 4 stars). 2 submissions from 2 submitters: Uncertain significance (2). Last evaluated 2025-04-17.

Conditions:
Townes syndrome (TBS). Also called: Townes-Brocks syndrome. Identifiers: Orphanet 857, MedGen C0265246, MeSH C536974, MONDO:0007142.

Submissions (2):

Labcorp Genetics (formerly Invitae), Labcorp
Classification: Uncertain significance for Townes syndrome. Last evaluated: 2025-04-17. Review status: criteria provided, single submitter. Criteria: Invitae Variant Classification Sherloc (09022015). Collection method: clinical testing. Allele origin: germline.
Comment: This sequence change replaces threonine, which is neutral and polar, with arginine, which is basic and polar, at codon 935 of the SALL1 protein (p.Thr935Arg). This variant is present in population databases (no rsID available, gnomAD 0.0009%). This variant has not been reported in the literature in individuals affected with SALL1-related conditions. ClinVar contains an entry for this variant (Variation ID: 3371875). Invitae Evidence Modeling of protein sequence and biophysical properties (such as structural, functional, and spatial information, amino acid conservation, physicochemical variation, residue mobility, and thermodynamic stability) indicates that this missense variant is not expected to disrupt SALL1 protein function with a negative predictive value of 80%. In summary, the available evidence is currently insufficient to determine the role of this variant in disease. Therefore, it has been classified as a Variant of Uncertain Significance.

GeneDx
Classification: Uncertain significance. Last evaluated: 2024-04-03. Review status: criteria provided, single submitter. Criteria: GeneDx Variant Classification Process June 2021. Collection method: clinical testing. Allele origin: germline. Affected: yes.
Comment: In silico analysis supports that this missense variant does not alter protein structure/function; Has not been previously published as pathogenic or benign to our knowledge

NM_002968.3(SALL1):c.2804C>G (p.Thr935Arg)

Gene: SALL1 (spalt like transcription factor 1; minus strand). Cytogenetic location: 16q12.1.
Variant type: single nucleotide variant.
Coding change: c.2804C>G on transcript NM_002968.3 (MANE Select); coding-DNA position 2804, C replaced by G.
Protein change: p.Thr935Arg; replaces threonine 935 with arginine.
Molecular consequence: missense variant.
Genome position (GRCh38, 1-based): chr16:51,139,418, G>C on the plus strand (C>G on the coding strand, the complement: SALL1 is on the minus strand). VCF-style: chr16-51139418-G-C. GRCh37 (hg19) VCF-style: chr16-51173329-G-C.
Other names: c.2513C>G, p.Thr838Arg (NM_001127892.2); short protein forms T838R, T935R.
Identifiers: ClinVar variation 3371875 (VCV003371875.2).
Genomic context (GRCh38, chr16:51,139,418, plus strand): 5'-TCGCTTGGGACCGCTCTCTGTGGTTTCTCCTCAATGCTGGGTGACTTGTGGAACTCCTGC[G>C]TGCTGTTGGACGGGGACAGAGCCTGCATGGAAGAGGTAGACTCTGAGATGGCTGGGCTGC-3'
Protein context (NP_002959.2, residues 925-945): SMQALSPSNS[Thr935Arg]QEFHKSPSIE